The following is an entry in ClinVar:

NM_032776.3(JMJD1C):c.1541A>G (p.Asn514Ser)

Gene: JMJD1C (jumonji domain containing 1C; minus strand). Cytogenetic location: 10q21.3.
Variant type: single nucleotide variant.
Coding change: c.1541A>G on transcript NM_032776.3 (MANE Select); coding-DNA position 1541, A replaced by G.
Protein change: p.Asn514Ser; replaces asparagine 514 with serine.
Molecular consequence: missense variant. On other transcripts: non-coding transcript variant (1).
Genome position (GRCh38, 1-based): chr10:63,214,626, T>C on the plus strand (A>G on the coding strand, the complement: JMJD1C is on the minus strand). VCF-style: chr10-63214626-T-C. GRCh37 (hg19) VCF-style: chr10-64974386-T-C.
Other names: c.995A>G, p.Asn332Ser (NM_001282948.2, NM_001318154.2); c.677A>G, p.Asn226Ser (NM_001318153.2); c.1427A>G, p.Asn476Ser (NM_001322252.2); c.884A>G, p.Asn295Ser (NM_001322254.2, NM_001322258.2); short protein forms N226S, N295S, N476S, N332S, N514S.
Identifiers: ClinVar variation 1372238 (VCV001372238.6), dbSNP rs1315093105, ClinGen allele CA377048842.

ClinVar aggregate classification (germline): Uncertain significance (1 of 4 stars; one submission).

Conditions:
Early Myoclonic Encephalopathy. Identifiers: MedGen C0270855.

Allele frequency attached by ClinVar (database versions not stated): gnomAD exomes below 0.00001; TOPMed 0.00001; gnomAD 0.00002.
gnomAD v4.1: 6 of 1,614,064 alleles (0.00037%); highest among the groups gnomAD compares: African/African-American, 0.0053%; no homozygotes.

Submission:

Labcorp Genetics (formerly Invitae), Labcorp
Classification: Uncertain significance for Early Myoclonic Encephalopathy. Last evaluated: 2025-10-10. Review status: criteria provided, single submitter. Criteria: Invitae Variant Classification Sherloc (09022015). Collection method: clinical testing. Allele origin: germline.
Comment: This sequence change replaces asparagine, which is neutral and polar, with serine, which is neutral and polar, at codon 514 of the JMJD1C protein (p.Asn514Ser). This variant is present in population databases (no rsID available, gnomAD 0.007%). This variant has not been reported in the literature in individuals affected with JMJD1C-related conditions. ClinVar contains an entry for this variant (Variation ID: 1372238). Invitae Evidence Modeling of protein sequence and biophysical properties (such as structural, functional, and spatial information, amino acid conservation, physicochemical variation, residue mobility, and thermodynamic stability) indicates that this missense variant is not expected to disrupt JMJD1C protein function with a negative predictive value of 80%. In summary, the available evidence is currently insufficient to determine the role of this variant in disease. Therefore, it has been classified as a Variant of Uncertain Significance.